The following is an entry in ClinVar:

ClinVar aggregate classification (germline): Pathogenic/Likely pathogenic. Review status: criteria provided, multiple submitters, no conflicts (2 of 4 stars). 5 submissions from 5 submitters: Pathogenic (2); Likely pathogenic (2). 1 of the submissions does not count toward it. Last evaluated 2026-09-23.

Conditions:
Developmental and epileptic encephalopathy, 49 (DEE49). Also called: Epileptic encephalopathy, early infantile, 49. Identifiers: MedGen C4310635, MONDO:0015002, OMIM 617281.
DENND5A-related disorder. Also called: DENND5A-related condition.

Allele frequency attached by ClinVar (database versions not stated): gnomAD 0.00003; TOPMed 0.00001.
gnomAD v4.1: 11 of 1,613,680 alleles (0.00068%); highest among the groups gnomAD compares: African/African-American, 0.004%; no homozygotes.

Submissions (5):

GeneDx
Classification: Pathogenic. Last evaluated: 2026-09-23. Review status: criteria provided, single submitter. Criteria: GeneDx Variant Classification Process June 2021. Collection method: clinical testing. Allele origin: germline.
Comment: Reported in the published literature in a patient with language delay, seizures, and microcephaly (PMID: 38352438); Nonsense variant predicted to result in protein truncation or nonsense mediated decay in a gene for which loss of function is a known mechanism of disease; Not observed at significant frequency in large population cohorts (gnomAD); This variant is associated with the following publications: (PMID: 38352438)

Labcorp Genetics (formerly Invitae), Labcorp
Classification: Pathogenic. Last evaluated: 2024-07-30. Review status: criteria provided, single submitter. Criteria: Invitae Variant Classification Sherloc (09022015). Collection method: clinical testing. Allele origin: germline.
Comment: This sequence change creates a premature translational stop signal (p.Arg772*) in the DENND5A gene. It is expected to result in an absent or disrupted protein product. Loss-of-function variants in DENND5A are known to be pathogenic (PMID: 27431290, 27866705). This variant is present in population databases (no rsID available, gnomAD 0.01%). This variant has not been reported in the literature in individuals affected with DENND5A-related conditions. ClinVar contains an entry for this variant (Variation ID: 375552). For these reasons, this variant has been classified as Pathogenic.

Women's Health and Genetics/Laboratory Corporation of America, LabCorp
Classification: Likely pathogenic for Developmental and epileptic encephalopathy, 49. Last evaluated: 2022-12-30. Review status: criteria provided, single submitter. Criteria: LabCorp Variant Classification Summary - May 2015. Collection method: clinical testing. Allele origin: germline.
Comment: Variant summary: DENND5A c.2314C>T (p.Arg772X) results in a premature termination codon, predicted to cause a truncation of the encoded protein or absence of the protein due to nonsense mediated decay, which are commonly known mechanisms for disease. The variant allele was found at a frequency of 2.7e-05 in 150868 control chromosomes (gnomAD v3.1.2). To our knowledge, no occurrence of c.2314C>T in individuals affected with Developmental And Epileptic Encephalopathy, 49 and no experimental evidence demonstrating its impact on protein function have been reported. One ClinVar submitter has assessed the variant since 2014: the variant was classified as likely pathogenic. Based on the evidence outlined above, the variant was classified as likely pathogenic.

HudsonAlpha Institute for Biotechnology
Classification: Likely pathogenic for Developmental and epileptic encephalopathy, 49. Last evaluated: 2017-01-12. Review status: criteria provided, single submitter. Criteria: HA_assertions_20161101. Collection method: research. Allele origin: unknown. Affected: yes. Observed: 1 variant allele. Study: CSER-HudsonAlpha.

PreventionGenetics, part of Exact Sciences
Classification: Likely pathogenic for DENND5A-related condition. Last evaluated: 2023-11-27. Review status: no assertion criteria provided. Collection method: clinical testing. Allele origin: germline. Not counted in ClinVar's aggregate classification.
Comment: The DENND5A c.2314C>T variant is predicted to result in premature protein termination (p.Arg772*). To our knowledge, this variant has not been reported in the literature. This variant is reported in 0.011% of alleles in individuals of African descent in gnomAD. Nonsense variants in DENND5A are expected to be pathogenic. This variant is interpreted as likely pathogenic.

Literature cited by the submitters: PubMed 27431290 (cited by Labcorp Genetics (formerly Invitae), Labcorp); PubMed 27866705 (cited by Labcorp Genetics (formerly Invitae), Labcorp).

NM_015213.4(DENND5A):c.2314C>T (p.Arg772Ter)

Gene: DENND5A (DENN domain containing 5A; minus strand). Cytogenetic location: 11p15.4.
Variant type: single nucleotide variant.
Coding change: c.2314C>T on transcript NM_015213.4 (MANE Select); coding-DNA position 2314, C replaced by T.
Protein change: p.Arg772Ter; replaces arginine 772 with a stop codon.
Molecular consequence: nonsense. On other transcripts: non-coding transcript variant (1).
Genome position (GRCh38, 1-based): chr11:9,160,835, G>A on the plus strand (C>T on the coding strand, the complement: DENND5A is on the minus strand). VCF-style: chr11-9160835-G-A. GRCh37 (hg19) VCF-style: chr11-9182382-G-A.
Other names: c.2314C>T, p.Arg772Ter (NM_001243254.2); c.2242C>T, p.Arg748Ter (NM_001348749.2); c.2026C>T, p.Arg676Ter (NM_001348750.2); short protein forms R772*, R676*, R748*.
Identifiers: ClinVar variation 375552 (VCV000375552.11), dbSNP rs1057519563, ClinGen allele CA16044344.